The following is an entry in ClinVar:

NM_000038.6(APC):c.3942del (p.Arg1314fs)

Gene: APC (APC regulator of Wnt signaling pathway; plus strand). Cytogenetic location: 5q22.2.
Variant type: Deletion.
Coding change: c.3942del on transcript NM_000038.6 (MANE Select); coding-DNA position 3942, one base deleted (G; older notation c.3942delG).
Protein change: p.Arg1314fs; shifts the reading frame from arginine 1314.
Molecular consequence: frameshift variant. On other transcripts: non-coding transcript variant (2).
Genome position (GRCh38, 1-based): chr5:112,839,536, G deleted; the last of 2 consecutive G bases (chr5:112,839,535-112,839,536); deleting either gives the same sequence. VCF-style (leftmost placement, unchanged base first): chr5-112839534-AG-A. GRCh37 (hg19) VCF-style: chr5-112175231-AG-A.
Other names: c.3942del, p.Arg1314fs (NM_001127510.3, NM_001354895.2, NM_001407450.1); c.3888del, p.Arg1296fs (NM_001127511.3); c.3996del, p.Arg1332fs (NM_001354896.2, NM_001407447.1, NM_001407448.1 and 1 more transcripts); c.3972del, p.Arg1324fs (NM_001354897.2); c.3867del, p.Arg1289fs (NM_001354898.2); c.3858del, p.Arg1286fs (NM_001354899.2); c.3819del, p.Arg1273fs (NM_001354900.2); c.3765del, p.Arg1255fs (NM_001354901.2, NM_001407453.1); and 11 more; short protein forms R1031fs, R1154fs, R1185fs, R1188fs, R1213fs, R1223fs, R1231fs, R1255fs.
Identifiers: ClinVar variation 2583967 (VCV002583967.2), dbSNP rs2533536190, ClinGen allele CA445963924.

ClinVar aggregate classification (germline): Pathogenic (1 of 4 stars; one submission).

Conditions:
Familial adenomatous polyposis 1 (FAP1). Also called: FAMILIAL ADENOMATOUS POLYPOSIS 1, ATTENUATED; POLYPOSIS, ADENOMATOUS INTESTINAL. Identifiers: MedGen C2713442, MONDO:0021056, OMIM 175100. Disease mechanism: loss of function.

Submission:

Myriad Genetics, Inc.
Classification: Pathogenic for Familial adenomatous polyposis 1. Last evaluated: 2023-05-09. Review status: criteria provided, single submitter. Criteria: Myriad Autosomal Dominant, Autosomal Recessive and X-Linked Classification Criteria (2023). Collection method: clinical testing. Allele origin: unknown.
Comment: This variant is considered pathogenic. This variant creates a frameshift predicted to result in premature protein truncation.